The following is an entry in ClinVar:

ClinVar aggregate classification (germline): Uncertain significance. Review status: criteria provided, multiple submitters, no conflicts (2 of 4 stars). 2 submissions from 2 submitters: Uncertain significance (2). Last evaluated 2025-06-26.

Conditions:
Spermatogenic failure 18. Identifiers: MedGen C4539783, MONDO:0054615, OMIM 617576.
Ciliary dyskinesia, primary, 37 (CILD37). Also called: CILIARY DYSKINESIA, PRIMARY, 37, WITH OR WITHOUT SITUS INVERSUS. Identifiers: MedGen C4539798, MONDO:0033204, OMIM 617577.

Allele frequency attached by ClinVar (database versions not stated): gnomAD exomes 0.00002; ESP Exome Variant Server 0.00008; TOPMed below 0.00001; ExAC 0.00001; gnomAD 0.00002.
gnomAD v4.1: 37 of 1,612,912 alleles (0.0023%); highest among the groups gnomAD compares: Non-Finnish European, 0.0031%; no homozygotes.

Submissions (2):

Labcorp Genetics (formerly Invitae), Labcorp
Classification: Uncertain significance for Ciliary dyskinesia, primary, 37; Spermatogenic failure 18. Last evaluated: 2025-06-26. Review status: criteria provided, single submitter. Criteria: Invitae Variant Classification Sherloc (09022015). Collection method: clinical testing. Allele origin: germline.
Comment: This sequence change replaces glycine, which is neutral and non-polar, with aspartic acid, which is acidic and polar, at codon 2383 of the DNAH1 protein (p.Gly2383Asp). This variant is present in population databases (rs377338161, gnomAD 0.003%). This variant has not been reported in the literature in individuals affected with DNAH1-related conditions. ClinVar contains an entry for this variant (Variation ID: 2682835). Invitae Evidence Modeling of protein sequence and biophysical properties (such as structural, functional, and spatial information, amino acid conservation, physicochemical variation, residue mobility, and thermodynamic stability) indicates that this missense variant is not expected to disrupt DNAH1 protein function with a negative predictive value of 80%. In summary, the available evidence is currently insufficient to determine the role of this variant in disease. Therefore, it has been classified as a Variant of Uncertain Significance.

Mayo Clinic Laboratories, Mayo Clinic
Classification: Uncertain significance. Last evaluated: 2023-02-09. Review status: criteria provided, single submitter. Criteria: ACMG Guidelines, 2015. Collection method: clinical testing. Allele origin: germline. Observed: 1 variant allele.
Comment: BP4

NM_015512.5(DNAH1):c.7148G>A (p.Gly2383Asp)

Gene: DNAH1 (dynein axonemal heavy chain 1; plus strand). Cytogenetic location: 3p21.1.
Variant type: single nucleotide variant.
Coding change: c.7148G>A on transcript NM_015512.5 (MANE Select); coding-DNA position 7148, G replaced by A.
Protein change: p.Gly2383Asp; replaces glycine 2383 with aspartic acid.
Molecular consequence: missense variant.
Genome position (GRCh38, 1-based): chr3:52,375,402, G>A. VCF-style: chr3-52375402-G-A. GRCh37 (hg19) VCF-style: chr3-52409418-G-A.
Other names: p.Gly2383Asp; short protein forms G2383D.
Identifiers: ClinVar variation 2682835 (VCV002682835.3), dbSNP rs377338161, ClinGen allele CA2434765.